The following is an entry in ClinVar:

ClinVar aggregate classification (germline): Benign/Likely benign. Review status: criteria provided, multiple submitters, no conflicts (2 of 4 stars). 5 submissions from 5 submitters: Benign (2); Likely benign (3). Last evaluated 2026-01-12.

Allele frequency attached by ClinVar (database versions not stated): 1000 Genomes Project 0.00339; 1000 Genomes Project 30x 0.00375; TOPMed 0.00623; gnomAD exomes 0.00642 and 0.00841; ExAC 0.00673; gnomAD 0.00676 and 0.00731; ESP Exome Variant Server 0.00885.
gnomAD v4.1: 13,273 of 1,614,002 alleles (0.82%); highest among the groups gnomAD compares: Non-Finnish European, 0.97%; 66 homozygotes.

Submissions (5):

Labcorp Genetics (formerly Invitae), Labcorp
Classification: Benign. Last evaluated: 2026-01-12. Review status: criteria provided, single submitter. Criteria: Invitae Variant Classification Sherloc (09022015). Collection method: clinical testing. Allele origin: germline.

Blueprint Genetics
Classification: Likely benign. Last evaluated: 2024-11-27. Review status: criteria provided, single submitter. Criteria: ACMG Guidelines, 2015. Collection method: clinical testing. Allele origin: germline.

GeneDx
Classification: Likely benign. Last evaluated: 2021-01-04. Review status: criteria provided, single submitter. Criteria: GeneDx Variant Classification Process June 2021. Collection method: clinical testing. Allele origin: germline. Affected: yes.
Comment: This variant is associated with the following publications: (PMID: 15661075)

Athena Diagnostics
Classification: Likely benign. Last evaluated: 2017-09-12. Review status: criteria provided, single submitter. Criteria: Athena Diagnostics Criteria. Collection method: clinical testing. Allele origin: germline.

PreventionGenetics, part of Exact Sciences
Classification: Benign. Review status: criteria provided, single submitter. Criteria: ACMG Guidelines, 2015. Collection method: clinical testing. Allele origin: germline.

Literature cited by the submitters: PubMed 28497567 (cited by Athena Diagnostics); PubMed 15661075 (cited by Athena Diagnostics).

NM_000336.3(SCNN1B):c.1543-17C>T

Gene: SCNN1B (sodium channel epithelial 1 subunit beta; plus strand). Cytogenetic location: 16p12.2.
Variant type: single nucleotide variant.
Coding change: c.1543-17C>T on transcript NM_000336.3 (MANE Select); 17 bases into the intron before coding-DNA position 1543, C replaced by T.
Molecular consequence: intron variant.
Genome position (GRCh38, 1-based): chr16:23,380,404, C>T. VCF-style: chr16-23380404-C-T. GRCh37 (hg19) VCF-style: chr16-23391725-C-T.
Identifiers: ClinVar variation 255866 (VCV000255866.10), dbSNP rs35074083, ClinGen allele CA7960575.